The following is an entry in ClinVar:

NM_005159.5(ACTC1):c.-2A>C

Genes: ACTC1 (actin alpha cardiac muscle 1; minus strand), GJD2-DT (GJD2 divergent transcript; plus strand). Cytogenetic location: 15q14.
Variant type: single nucleotide variant.
Coding change: c.-2A>C on transcript NM_005159.5 (MANE Select); 2 bases upstream of the start codon, A replaced by C.
Molecular consequence: 5 prime UTR variant.
Genome position (GRCh38, 1-based): chr15:34,794,810, T>G on the plus strand (A>C on the coding strand, the complement: ACTC1 is on the minus strand). VCF-style: chr15-34794810-T-G. GRCh37 (hg19) VCF-style: chr15-35087011-T-G.
Other names: c.-2A>C (NM_001406482.1, NM_001406483.1).
Identifiers: ClinVar variation 3390455 (VCV003390455.1).

ClinVar aggregate classification (germline): Uncertain significance (1 of 4 stars; one submission).

gnomAD v4.1: 6 of 1,612,952 alleles (0.00037%); highest among the groups gnomAD compares: Non-Finnish European, 0.00042%; no homozygotes.

Submission:

GeneDx
Classification: Uncertain significance. Last evaluated: 2024-06-12. Review status: criteria provided, single submitter. Criteria: GeneDx Variant Classification Process June 2021. Collection method: clinical testing. Allele origin: germline. Affected: yes.
Comment: Not observed at significant frequency in large population cohorts (gnomAD); Has not been previously published as pathogenic or benign to our knowledge; Alters the Kozak sequence, which plays a major role in the initiation of translation